The following is an entry in ClinVar:

NM_000059.4(BRCA2):c.5730T>C (p.Asn1910=)

Gene: BRCA2 (BRCA2 DNA repair associated; plus strand). Cytogenetic location: 13q13.1.
Variant type: single nucleotide variant.
Coding change: c.5730T>C on transcript NM_000059.4 (MANE Select); coding-DNA position 5730, T replaced by C.
Protein change: p.Asn1910=; no amino-acid change (asparagine 1910 retained).
Molecular consequence: synonymous variant.
Genome position (GRCh38, 1-based): chr13:32,340,085, T>C. VCF-style: chr13-32340085-T-C. GRCh37 (hg19) VCF-style: chr13-32914222-T-C.
Identifiers: ClinVar variation 491296 (VCV000491296.23), dbSNP rs1555284381, ClinGen allele CA483438894.

ClinVar aggregate classification (germline): Likely benign. Review status: criteria provided, multiple submitters, no conflicts (2 of 4 stars). 8 submissions from 8 submitters: Likely benign (8). Last evaluated 2025-04-22.

Conditions:
Hereditary cancer-predisposing syndrome. Also called: Tumor predisposition; Neoplastic Syndromes, Hereditary; Hereditary Cancer Syndrome; Hereditary neoplastic syndrome. Identifiers: Orphanet 140162, MedGen C0027672, MeSH D009386, MONDO:0015356.
Hereditary breast ovarian cancer syndrome. Also called: Hereditary breast and ovarian cancer; Hereditary breast and ovarian cancer syndrome (HBOC); BRCA1- and BRCA2-Associated Hereditary Breast and Ovarian Cancer; Breast and ovarian cancer; Hereditary breast and ovarian cancer syndrome; Hereditary breast and/or ovarian cancer syndrome. Identifiers: Orphanet 145, MedGen C0677776, MeSH D061325, MONDO:0003582. Disease mechanism: loss of function.
Breast-ovarian cancer, familial, susceptibility to, 2 (BROVCA2). Also called: BRCA2 Hereditary Breast and Ovarian Cancer. Identifiers: Orphanet 145, MedGen C2675520, MONDO:0012933, OMIM 612555. Disease mechanism: loss of function.

Allele frequency attached by ClinVar (database versions not stated): gnomAD 0.00001; TOPMed 0.00002.
gnomAD v4.1: 2 of 1,613,806 alleles (0.00012%); no homozygotes.

Submissions (8):

Molecular Diagnostics Laboratory, Catalan Institute of Oncology
Classification: Likely benign for Hereditary cancer-predisposing syndrome. Last evaluated: 2025-04-22. Review status: criteria provided, single submitter. Criteria: ClinGen BRCA1BRCA2 ACMG Specifications BRCA2 V1.0.0. Collection method: clinical testing. Allele origin: germline.
Comment: PM2_Supporting, BP1_Strong c.5730T>C, located outside any (potentially) clinically important functional domain of BRCA2, is predicted to result in no splicing alteration (according to SpliceAI) and no amino acid change, p.(Asn1910=) (BP1_Strong). It is not present in the population database gnomAD v2.1.1, non cancer dataset (PM2_supporting). To our knowledge, neither multifactorial analysis nor well-stablished functional studies have been reported for this variant. In addition, it has been identified in the ClinVar database as likely benign, and BRCA Exchange database (not yet reviewed), but it is not present in the LOVD database. Based on the currently available information, c.5730T>C is classified as a likely benign variant according to ClinGen-BRCA2 Guidelines version 1.

Labcorp Genetics (formerly Invitae), Labcorp
Classification: Likely benign for Hereditary breast ovarian cancer syndrome. Last evaluated: 2025-04-02. Review status: criteria provided, single submitter. Criteria: Invitae Variant Classification Sherloc (09022015). Collection method: clinical testing. Allele origin: germline.

All of Us Research Program, National Institutes of Health
Classification: Likely benign for Breast-ovarian cancer, familial, susceptibility to, 2. Last evaluated: 2023-12-18. Review status: criteria provided, single submitter. Criteria: ACMG Guidelines, 2015. Collection method: clinical testing. Allele origin: germline. Inheritance: Autosomal dominant inheritance. Observed: 2 variant alleles, 2 heterozygotes.
Comment: This study involves interpretation of variants in research participants for the purpose of population health screening. Participant phenotype was not available at the time of variant classification. Additional details can be found in publication PMID: 35346344, PMCID: PMC8962531

Women's Health and Genetics/Laboratory Corporation of America, LabCorp
Classification: Likely benign. Last evaluated: 2023-04-14. Review status: criteria provided, single submitter. Criteria: LabCorp Variant Classification Summary - May 2015. Collection method: clinical testing. Allele origin: germline.

Quest Diagnostics Nichols Institute San Juan Capistrano
Classification: Likely benign. Last evaluated: 2023-01-16. Review status: criteria provided, single submitter. Criteria: Quest Diagnostics criteria. Collection method: clinical testing. Allele origin: unknown.

Sema4
Classification: Likely benign for Hereditary cancer-predisposing syndrome. Last evaluated: 2020-12-19. Review status: criteria provided, single submitter. Criteria: Sema4 Curation Guidelines. Collection method: curation. Allele origin: germline.

Ambry Genetics
Classification: Likely benign for Hereditary cancer-predisposing syndrome. Last evaluated: 2019-12-09. Review status: criteria provided, single submitter. Criteria: Ambry Variant Classification Scheme 2023. Collection method: clinical testing. Allele origin: germline.

Color Diagnostics, LLC DBA Color Health
Classification: Likely benign for Hereditary cancer-predisposing syndrome. Last evaluated: 2017-02-13. Review status: criteria provided, single submitter. Criteria: ACMG Guidelines, 2015. Collection method: clinical testing. Allele origin: germline.